The following is an entry in ClinVar:

NM_001254.4(CDC6):c.1162C>T (p.Arg388Cys)

Gene: CDC6 (cell division cycle 6; plus strand). Cytogenetic location: 17q21.2.
Variant type: single nucleotide variant.
Coding change: c.1162C>T on transcript NM_001254.4 (MANE Select); coding-DNA position 1162, C replaced by T.
Protein change: p.Arg388Cys; replaces arginine 388 with cysteine.
Molecular consequence: missense variant.
Genome position (GRCh38, 1-based): chr17:40,295,434, C>T. VCF-style: chr17-40295434-C-T. GRCh37 (hg19) VCF-style: chr17-38451686-C-T.
Other names: short protein forms R388C.
Identifiers: ClinVar variation 1366250 (VCV001366250.8), dbSNP rs769034468, ClinGen allele CA8542064.

ClinVar aggregate classification (germline): Uncertain significance (1 of 4 stars; one submission).

Allele frequency attached by ClinVar (database versions not stated): gnomAD exomes 0.00001 and 0.00002; ExAC 0.00002; gnomAD 0.00002.
gnomAD v4.1: 13 of 1,610,776 alleles (0.00081%); highest among the groups gnomAD compares: African/African-American, 0.004%; no homozygotes.

Submission:

Labcorp Genetics (formerly Invitae), Labcorp
Classification: Uncertain significance. Last evaluated: 2025-06-12. Review status: criteria provided, single submitter. Criteria: Invitae Variant Classification Sherloc (09022015). Collection method: clinical testing. Allele origin: germline.
Comment: This sequence change replaces arginine, which is basic and polar, with cysteine, which is neutral and slightly polar, at codon 388 of the CDC6 protein (p.Arg388Cys). This variant is present in population databases (rs769034468, gnomAD 0.008%). This variant has not been reported in the literature in individuals affected with CDC6-related conditions. ClinVar contains an entry for this variant (Variation ID: 1366250). An algorithm developed to predict the effect of missense changes on protein structure and function (PolyPhen-2) suggests that this variant is likely to be disruptive. In summary, the available evidence is currently insufficient to determine the role of this variant in disease. Therefore, it has been classified as a Variant of Uncertain Significance.